The following is an entry in ClinVar:

ClinVar aggregate classification (germline): Uncertain significance (1 of 4 stars; one submission).

Conditions:
Charcot-Marie-Tooth disease axonal type 2O. Also called: CHARCOT-MARIE-TOOTH NEUROPATHY, AXONAL, TYPE 2O; CHARCOT-MARIE-TOOTH DISEASE, AXONAL, AUTOSOMAL DOMINANT, TYPE 2O; Charcot-Marie-Tooth Neuropathy Type 2O; Charcot-Marie-Tooth disease, axonal, type 20. Identifiers: Orphanet 284232, MedGen C3280220, MONDO:0013644, OMIM 614228.

Submission:

Labcorp Genetics (formerly Invitae), Labcorp
Classification: Uncertain significance for Charcot-Marie-Tooth disease axonal type 2O. Last evaluated: 2022-09-27. Review status: criteria provided, single submitter. Criteria: Invitae Variant Classification Sherloc (09022015). Collection method: clinical testing. Allele origin: germline.
Comment: This sequence change replaces methionine, which is neutral and non-polar, with isoleucine, which is neutral and non-polar, at codon 2671 of the DYNC1H1 protein (p.Met2671Ile). This variant is not present in population databases (gnomAD no frequency). This variant has not been reported in the literature in individuals affected with DYNC1H1-related conditions. Advanced modeling of protein sequence and biophysical properties (such as structural, functional, and spatial information, amino acid conservation, physicochemical variation, residue mobility, and thermodynamic stability) performed at Invitae indicates that this missense variant is not expected to disrupt DYNC1H1 protein function. In summary, the available evidence is currently insufficient to determine the role of this variant in disease. Therefore, it has been classified as a Variant of Uncertain Significance.

NM_001376.5(DYNC1H1):c.8013G>A (p.Met2671Ile)

Gene: DYNC1H1 (dynein cytoplasmic 1 heavy chain 1; plus strand). Cytogenetic location: 14q32.31.
Variant type: single nucleotide variant.
Coding change: c.8013G>A on transcript NM_001376.5 (MANE Select); coding-DNA position 8013, G replaced by A.
Protein change: p.Met2671Ile; replaces methionine 2671 with isoleucine.
Molecular consequence: missense variant.
Genome position (GRCh38, 1-based): chr14:102,017,252, G>A. VCF-style: chr14-102017252-G-A. GRCh37 (hg19) VCF-style: chr14-102483589-G-A.
Other names: short protein forms M2671I.
Identifiers: ClinVar variation 1978729 (VCV001978729.4), dbSNP rs2503773187, ClinGen allele CA391003984.
Genomic context (GRCh38, chr14:102,017,252, plus strand): 5'-TCCTGTTCAACTTGGAAAGTGGCTGGTGTTGTTCTGTGATGAAATCAACTTGCCAGATAT[G>A]GATAAATATGGGACCCAGAGGGTCATATCCTTCATCAGACAGGTTTGTTTCTATCCACAA-3'
Protein context (NP_001367.2, residues 2661-2681): LFCDEINLPD[Met2671Ile]DKYGTQRVIS